The following is an entry in ClinVar:

NM_000188.3(HK1):c.1015G>A (p.Val339Met)

Gene: HK1 (hexokinase 1; plus strand). Cytogenetic location: 10q22.1.
Variant type: single nucleotide variant.
Coding change: c.1015G>A on transcript NM_000188.3 (MANE Select); coding-DNA position 1015, G replaced by A.
Protein change: p.Val339Met; replaces valine 339 with methionine.
Molecular consequence: missense variant.
Genome position (GRCh38, 1-based): chr10:69,377,073, G>A. VCF-style: chr10-69377073-G-A. GRCh37 (hg19) VCF-style: chr10-71136829-G-A.
Other names: p.Val338Met; c.1012G>A (NM_033496.2); c.1027G>A, p.Val343Met (NM_001322364.2, NM_001358263.1, NM_033497.3 and 1 more transcripts); c.1120G>A, p.Val374Met (NM_001322365.2); c.931G>A, p.Val311Met (NM_001322366.1); c.919G>A, p.Val307Met (NM_001322367.1); c.1012G>A, p.Val338Met (NM_033496.3); c.979G>A, p.Val327Met (NM_033500.2); and 1 more; short protein forms V311M, V338M, V307M, V339M, V343M, V374M, V327M.
Identifiers: ClinVar variation 1038327 (VCV001038327.12), dbSNP rs138492927, ClinGen allele CA5532470.

ClinVar aggregate classification (germline): Conflicting classifications of pathogenicity. Review status: criteria provided, conflicting classifications (1 of 4 stars). 3 submissions from 3 submitters: Uncertain significance (2); Likely benign (1). Last evaluated 2025-04-30.

Allele frequency attached by ClinVar (database versions not stated): ExAC 0.00002; gnomAD exomes 0.00002; TOPMed 0.00009; gnomAD 0.00011; ESP Exome Variant Server 0.00015.
gnomAD v4.1: 32 of 1,614,084 alleles (0.002%); highest among the groups gnomAD compares: African/African-American, 0.04%; no homozygotes.

Submissions (3):

Labcorp Genetics (formerly Invitae), Labcorp
Classification: Uncertain significance. Last evaluated: 2025-04-30. Review status: criteria provided, single submitter. Criteria: Invitae Variant Classification Sherloc (09022015). Collection method: clinical testing. Allele origin: germline.
Comment: This sequence change replaces valine, which is neutral and non-polar, with methionine, which is neutral and non-polar, at codon 339 of the HK1 protein (p.Val339Met). This variant is present in population databases (rs138492927, gnomAD 0.03%). This variant has not been reported in the literature in individuals affected with HK1-related conditions. ClinVar contains an entry for this variant (Variation ID: 1038327). Invitae Evidence Modeling of protein sequence and biophysical properties (such as structural, functional, and spatial information, amino acid conservation, physicochemical variation, residue mobility, and thermodynamic stability) indicates that this missense variant is not expected to disrupt HK1 protein function with a negative predictive value of 80%. In summary, the available evidence is currently insufficient to determine the role of this variant in disease. Therefore, it has been classified as a Variant of Uncertain Significance.

Revvity Omics, Revvity
Classification: Likely benign. Last evaluated: 2023-12-12. Review status: criteria provided, single submitter. Criteria: ACMG Guidelines, 2015. Collection method: clinical testing. Allele origin: germline.

Mayo Clinic Laboratories, Mayo Clinic
Classification: Uncertain significance. Last evaluated: 2023-02-27. Review status: criteria provided, single submitter. Criteria: ACMG Guidelines, 2015. Collection method: clinical testing. Allele origin: germline. Observed: 1 variant allele.
Comment: BP4